The following is an entry in ClinVar:

ClinVar aggregate classification (germline): Benign (1 of 4 stars; one submission).

Conditions:
Familial cancer of breast. Also called: Hereditary breast cancer; hereditary breast carcinoma; BREAST CANCER, FAMILIAL. Identifiers: Orphanet 227535, MedGen C0346153, MONDO:0016419, OMIM 114480. Disease mechanism: loss of function.

Submission:

Myriad Genetics, Inc.
Classification: Benign for Familial cancer of breast. Last evaluated: 2025-01-16. Review status: criteria provided, single submitter. Criteria: Myriad Autosomal Dominant, Autosomal Recessive and X-Linked Classification Criteria (2023). Collection method: clinical testing. Allele origin: unknown.
Comment: This variant is considered benign. This variant is a silent/synonymous amino acid change and it is not expected to impact splicing.

NM_024675.4(PALB2):c.2559C>G (p.Gly853=)

Gene: PALB2 (partner and localizer of BRCA2; minus strand). Cytogenetic location: 16p12.2.
Variant type: single nucleotide variant.
Coding change: c.2559C>G on transcript NM_024675.4 (MANE Select); coding-DNA position 2559, C replaced by G.
Protein change: p.Gly853=; no amino-acid change (glycine 853 retained).
Molecular consequence: synonymous variant. On other transcripts: intron variant (1).
Genome position (GRCh38, 1-based): chr16:23,629,231, G>C on the plus strand (C>G on the coding strand, the complement: PALB2 is on the minus strand). VCF-style: chr16-23629231-G-C. GRCh37 (hg19) VCF-style: chr16-23640552-G-C.
Other names: c.2499C>G, p.Gly833= (NM_001407296.1); c.2559C>G, p.Gly853= (NM_001407298.1, NM_001407299.1, NM_001407300.1 and 2 more transcripts); c.1674C>G, p.Gly558= (NM_001407304.1, NM_001407305.1, NM_001407306.1 and 5 more transcripts); c.771C>G, p.Gly257= (NM_001407312.1, NM_001407313.1); c.93C>G, p.Gly31= (NM_001407314.1); c.2514+409C>G (NM_001407297.1).
Identifiers: ClinVar variation 3903964 (VCV003903964.1).